The following is an entry in ClinVar:

ClinVar aggregate classification (germline): Uncertain significance (1 of 4 stars; one submission).

Allele frequency attached by ClinVar (database versions not stated): gnomAD exomes below 0.00001.
gnomAD v4.1: 1 of 1,614,076 alleles (0.000062%); highest among the groups gnomAD compares: East Asian, 0.0022%; no homozygotes.

Submission:

Labcorp Genetics (formerly Invitae), Labcorp
Classification: Uncertain significance. Last evaluated: 2022-03-20. Review status: criteria provided, single submitter. Criteria: Invitae Variant Classification Sherloc (09022015). Collection method: clinical testing. Allele origin: germline.
Comment: In summary, the available evidence is currently insufficient to determine the role of this variant in disease. Therefore, it has been classified as a Variant of Uncertain Significance. Advanced modeling of protein sequence and biophysical properties (such as structural, functional, and spatial information, amino acid conservation, physicochemical variation, residue mobility, and thermodynamic stability) performed at Invitae indicates that this missense variant is not expected to disrupt FAT4 protein function. This variant has not been reported in the literature in individuals affected with FAT4-related conditions. This variant is not present in population databases (gnomAD no frequency). This sequence change replaces methionine, which is neutral and non-polar, with valine, which is neutral and non-polar, at codon 4051 of the FAT4 protein (p.Met4051Val).

NM_001291303.3(FAT4):c.12157A>G (p.Met4053Val)

Gene: FAT4 (FAT atypical cadherin 4; plus strand). Cytogenetic location: 4q28.1.
Variant type: single nucleotide variant.
Coding change: c.12157A>G on transcript NM_001291303.3 (MANE Select); coding-DNA position 12157, A replaced by G.
Protein change: p.Met4053Val; replaces methionine 4053 with valine.
Molecular consequence: missense variant.
Genome position (GRCh38, 1-based): chr4:125,468,763, A>G. VCF-style: chr4-125468763-A-G. GRCh37 (hg19) VCF-style: chr4-126389918-A-G.
Other names: c.12157A>G, p.Met4053Val (NM_001291285.3); c.12151A>G, p.Met4051Val (NM_024582.6); short protein forms M4051V, M4053V.
Identifiers: ClinVar variation 2114773 (VCV002114773.4), dbSNP rs2530976007, ClinGen allele CA358128890.